The following is an entry in ClinVar:

NM_015662.3(IFT172):c.4271del (p.Gln1424fs)

Gene: IFT172 (intraflagellar transport 172; minus strand). Cytogenetic location: 2p23.3.
Variant type: Deletion.
Coding change: c.4271del on transcript NM_015662.3 (MANE Select); coding-DNA position 4271, one base deleted (A; older notation c.4271delA).
Protein change: p.Gln1424fs; shifts the reading frame from glutamine 1424.
Molecular consequence: frameshift variant.
Genome position (GRCh38, 1-based): chr2:27,449,334, T deleted on the plus strand (A on the coding strand, the reverse complement: IFT172 is on the minus strand). VCF-style (leftmost placement, unchanged base first): chr2-27449333-CT-C. GRCh37 (hg19) VCF-style: chr2-27672200-CT-C.
Other names: c.4205del, p.Gln1402fs (NM_001410739.1); short protein forms Q1402fs, Q1424fs.
Identifiers: ClinVar variation 4998494 (VCV004998494.1).

ClinVar aggregate classification (germline): Pathogenic (1 of 4 stars; one submission).

Conditions:
IFT172-related disorder. Also called: IFT172-related condition; IFT172-related disorders.

Submission:

PreventionGenetics, part of Exact Sciences
Classification: Pathogenic for IFT172-related condition. Last evaluated: 2025-03-20. Review status: criteria provided, single submitter. Criteria: ACMG Guidelines, 2015. Collection method: clinical testing. Allele origin: germline.
Comment: The IFT172 c.4271delA variant is predicted to result in a frameshift and premature protein termination (p.Gln1424Argfs*30). To our knowledge, this variant has not been reported in the literature or in a large population database (gnomAD), indicating this variant is rare. Frameshift variants in IFT172 are expected to be pathogenic. This variant is interpreted as pathogenic.